The following is an entry in ClinVar:

Conditions:
Severe myoclonic epilepsy in infancy (DRVT). Also called: Epileptic encephalopathy, early infantile, 6 (Dravet syndrome); Dravet syndrome; SEVERE MYOCLONIC EPILEPSY OF INFANCY; DEVELOPMENTAL AND EPILEPTIC ENCEPHALOPATHY 6A; Severe Myoclonic Epilepsy in Infancy (SMEI). Identifiers: Orphanet 33069, MedGen C0751122, MONDO:0100135, OMIM 607208.

Submission:

Channelopathy-Associated Epilepsy Research Center
No classification provided (evidence only). Condition: Severe myoclonic epilepsy in infancy. Review status: no classification provided. Collection method: literature only. Allele origin: not applicable. Functional consequence: Overall loss-of-function, Severe decrease in peak current due to reduced trafficking.
ClinVar note: "not provided" was previously submitted as the classification for the variant. However, the classification appeared to be based only on an observation of functional data so it was converted to no classification on 2025-07-30.

Literature cited by the submitters: PubMed 19402159.

NM_001165963.4(SCN1A):c.5779A>G (p.Arg1927Gly)

Genes: SCN1A (sodium voltage-gated channel alpha subunit 1; minus strand), LOC102724058 (uncharacterized LOC102724058; plus strand). Cytogenetic location: 2q24.3.
Variant type: single nucleotide variant.
Coding change: c.5779A>G on transcript NM_001165963.4 (MANE Select); coding-DNA position 5779, A replaced by G.
Protein change: p.Arg1927Gly; replaces arginine 1927 with glycine.
Molecular consequence: missense variant. On other transcripts: non-coding transcript variant (1).
Genome position (GRCh38, 1-based): chr2:165,991,496, T>C on the plus strand (A>G on the coding strand, the complement: SCN1A is on the minus strand). VCF-style: chr2-165991496-T-C. GRCh37 (hg19) VCF-style: chr2-166848006-T-C.
Other names: c.5695A>G, p.Arg1899Gly (NM_001165964.3, NM_001353957.2, NM_001353958.2); c.5779A>G, p.Arg1927Gly (NM_001202435.3, NM_001353948.2); c.5746A>G, p.Arg1916Gly (NM_001353949.2, NM_001353950.2, NM_001353951.2 and 2 more transcripts); c.5743A>G, p.Arg1915Gly (NM_001353954.2, NM_001353955.2); c.5692A>G, p.Arg1898Gly (NM_001353960.2); c.3337A>G, p.Arg1113Gly (NM_001353961.2); short protein forms R1113G, R1898G, R1899G, R1915G, R1916G, R1927G.
Identifiers: ClinVar variation 3067161 (VCV003067161.2), dbSNP rs1553519856, ClinGen allele CA349063949.